The following is an entry in ClinVar:

ClinVar aggregate classification (germline): Conflicting classifications of pathogenicity. Review status: criteria provided, conflicting classifications (1 of 4 stars). 2 submissions from 2 submitters: Likely pathogenic (1); Likely benign (1). Last evaluated 2023-10-05.

Conditions:
Cardiovascular phenotype. Identifiers: MedGen CN230736.

Allele frequency attached by ClinVar (database versions not stated): gnomAD exomes below 0.00001 and 0.00001; ExAC 0.00001; gnomAD 0.00001; 1000 Genomes Project 30x 0.00016; 1000 Genomes Project 0.00020.
gnomAD v4.1: 3 of 1,614,152 alleles (0.00019%); highest among the groups gnomAD compares: East Asian, 0.0067%; no homozygotes.

Submissions (2):

Ambry Genetics
Classification: Likely benign for Cardiovascular phenotype. Last evaluated: 2023-10-05. Review status: criteria provided, single submitter. Criteria: Ambry Variant Classification Scheme 2023. Collection method: clinical testing. Allele origin: germline.

GeneDx
Classification: Likely pathogenic. Last evaluated: 2012-01-09. Review status: criteria provided, single submitter. Criteria: GeneDx Variant Classification (06012015). Collection method: clinical testing. Allele origin: germline. Affected: yes.
Comment: The Val69Met variant in the KCNE2 gene has not been reported previously as a disease-causing mutation, nor as a benign polymorphism, to our knowledge. Although Val69Met results in a conservative substitution of one non-polar amino acid for another, the Val69 residue is conserved across species. In silico analysis predicts Val69Met is probably damaging to the protein structure/function (Adzhubei IA et al.). The Val69Met variant was not detected in up to 600 alleles from control individuals of Caucasian and African American ancestry tested at GeneDx. The NHLBI ESP Exome Variant Server reports Val69Met was not observed in approximately 5,000 samples from individuals of European and African American backgrounds, indicating it is not a common benign variant in these populations according to the NHLBI Exome Sequencing Project. In addition, other mutations in nearby codons (ArgVal65Leu, Val65Met, Arg77Gln, Arg77Trp) have been reported in association with LQTS, supporting the functional importance of this region of the protein. However, no data from ethnically-matched controls are available to assess for a population-specific benign variant. In summary, while the Val69Met variant in the KCNE2 gene appears to be a good candidate for a disease-causing mutation, we cannot unequivocally determine whether the Val69Met variant is a disease-causing mutation or a rare benign variant. The variant is found in LQT panel(s).

NM_172201.2(KCNE2):c.205G>A (p.Val69Met)

Genes: KCNE2 (potassium voltage-gated channel subfamily E regulatory subunit 2; plus strand), LOC105372791 (uncharacterized LOC105372791; minus strand). Cytogenetic location: 21q22.11.
Variant type: single nucleotide variant.
Coding change: c.205G>A on transcript NM_172201.2 (MANE Select); coding-DNA position 205, G replaced by A.
Protein change: p.Val69Met; replaces valine 69 with methionine.
Molecular consequence: missense variant.
Genome position (GRCh38, 1-based): chr21:34,370,683, G>A. VCF-style: chr21-34370683-G-A. GRCh37 (hg19) VCF-style: chr21-35742982-G-A.
Other names: p.V69M:GTG>ATG; short protein forms V69M.
Identifiers: ClinVar variation 190798 (VCV000190798.3), dbSNP rs542835031, ClinGen allele CA301992.
Genomic context (GRCh38, chr21:34,370,683, plus strand): 5'-GTCATCCTGTACCTCATGGTGATGATTGGAATGTTCTCTTTCATCATCGTGGCCATCCTG[G>A]TGAGCACTGTGAAATCCAAGAGACGGGAACACTCCAATGACCCCTACCACCAGTACATTG-3'
Protein context (NP_751951.1, residues 59-79): MFSFIIVAIL[Val69Met]STVKSKRREH